The following is an entry in ClinVar:

ClinVar aggregate classification (germline): Likely pathogenic (1 of 4 stars; one submission).

Conditions:
Landau-Kleffner syndrome (FESD). Also called: EPILEPSY, FOCAL, WITH SPEECH DISORDER AND WITH OR WITHOUT MENTAL RETARDATION; APHASIA, ACQUIRED, WITH EPILEPSY. Identifiers: Orphanet 1945, Orphanet 725, Orphanet 98818, MedGen C0282512, MONDO:0009509, OMIM 245570.

Submission:

Laboratorio de Genetica e Diagnostico Molecular, Hospital Israelita Albert Einstein
Classification: Likely pathogenic for Landau-Kleffner syndrome. Last evaluated: 2025-10-17. Review status: criteria provided, single submitter. Criteria: ACMG Guidelines, 2015. Collection method: clinical testing. Allele origin: germline. Affected: yes.
Comment: ACMG classification criteria: PVS1 very strong, PM2 supporting

NM_001134407.3(GRIN2A):c.1170G>A (p.Trp390Ter)

Gene: GRIN2A (glutamate ionotropic receptor NMDA type subunit 2A; minus strand). Cytogenetic location: 16p13.2.
Variant type: single nucleotide variant.
Coding change: c.1170G>A on transcript NM_001134407.3 (MANE Select); coding-DNA position 1170, G replaced by A.
Protein change: p.Trp390Ter; replaces tryptophan 390 with a stop codon.
Molecular consequence: nonsense.
Genome position (GRCh38, 1-based): chr16:9,849,914, C>T on the plus strand (G>A on the coding strand, the complement: GRIN2A is on the minus strand). VCF-style: chr16-9849914-C-T. GRCh37 (hg19) VCF-style: chr16-9943771-C-T.
Other names: c.1170G>A, p.Trp390Ter (NM_000833.5, NM_001134408.2); short protein forms W390*.
Identifiers: ClinVar variation 4846803 (VCV004846803.1).
Genomic context (GRCh38, chr16:9,849,914, plus strand): 5'-GGTGACGATGCTGAGATGGTTGTCATCCGGCTCACAGTCGGAGAAGGACTTGTACCTGGG[C>T]CACACGGCGTGCCTCAGGCTCAGCGTATGGTTCTCCCACTTGCCCACCTGCAGCACAAAC-3'